The following is an entry in ClinVar:

ClinVar aggregate classification (germline): Uncertain significance (1 of 4 stars; one submission).

Conditions:
Glycogen storage disease type III (GSD3). Also called: Cori disease; FORBES DISEASE. Identifiers: Orphanet 366, MedGen C0017922, MONDO:0009291, OMIM 232400.

Allele frequency attached by ClinVar (database versions not stated): gnomAD exomes below 0.00001; ExAC 0.00001; TOPMed 0.00001.
gnomAD v4.1: 1 of 1,613,612 alleles (0.000062%); highest among the groups gnomAD compares: East Asian, 0.0022%; no homozygotes.

Submission:

Labcorp Genetics (formerly Invitae), Labcorp
Classification: Uncertain significance for Glycogen storage disease type III. Last evaluated: 2022-09-01. Review status: criteria provided, single submitter. Criteria: Invitae Variant Classification Sherloc (09022015). Collection method: clinical testing. Allele origin: germline.
Comment: This sequence change replaces glutamic acid, which is acidic and polar, with glutamine, which is neutral and polar, at codon 1395 of the AGL protein (p.Glu1395Gln). This variant is present in population databases (rs780593883, gnomAD 0.006%). This variant has not been reported in the literature in individuals affected with AGL-related conditions. ClinVar contains an entry for this variant (Variation ID: 1382671). Algorithms developed to predict the effect of missense changes on protein structure and function output the following: SIFT: "Tolerated"; PolyPhen-2: "Benign"; Align-GVGD: "Class C0". The glutamine amino acid residue is found in multiple mammalian species, which suggests that this missense change does not adversely affect protein function. In summary, the available evidence is currently insufficient to determine the role of this variant in disease. Therefore, it has been classified as a Variant of Uncertain Significance.

NM_000642.3(AGL):c.4183G>C (p.Glu1395Gln)

Gene: AGL (amylo-alpha-1,6-glucosidase and 4-alpha-glucanotransferase; plus strand). Cytogenetic location: 1p21.2.
Variant type: single nucleotide variant.
Coding change: c.4183G>C on transcript NM_000642.3 (MANE Select); coding-DNA position 4183, G replaced by C.
Protein change: p.Glu1395Gln; replaces glutamic acid 1395 with glutamine.
Molecular consequence: missense variant.
Genome position (GRCh38, 1-based): chr1:99,915,410, G>C. VCF-style: chr1-99915410-G-C. GRCh37 (hg19) VCF-style: chr1-100380966-G-C.
Other names: c.4183G>C, p.Glu1395Gln (NM_000028.3, NM_000643.3, NM_000644.3 and 1 more transcripts); c.4135G>C, p.Glu1379Gln (NM_000646.3); c.4162G>C, p.Glu1388Gln (NM_001425326.1); c.3982G>C, p.Glu1328Gln (NM_001425327.1); c.3979G>C, p.Glu1327Gln (NM_001425328.1); c.3844G>C, p.Glu1282Gln (NM_001425329.1); c.3805G>C, p.Glu1269Gln (NM_001425332.1); short protein forms E1395Q, E1379Q, E1269Q, E1282Q, E1327Q, E1328Q, E1388Q.
Identifiers: ClinVar variation 1382671 (VCV001382671.3), dbSNP rs780593883, ClinGen allele CA967346.